The following is an entry in ClinVar:

NM_002180.3(IGHMBP2):c.1230_1231del (p.His411fs)

Gene: IGHMBP2 (immunoglobulin mu DNA binding protein 2; plus strand). Cytogenetic location: 11q13.3.
Variant type: Microsatellite.
Coding change: c.1230_1231del on transcript NM_002180.3 (MANE Select); coding-DNA positions 1230 to 1231, 2 bases deleted (TC; older notation c.1230_1231delTC).
Protein change: p.His411fs; shifts the reading frame from histidine 411.
Molecular consequence: frameshift variant.
Genome position (GRCh38, 1-based): chr11:68,929,352-68,929,353, TC deleted; deleting any 2 consecutive bases within chr11:68,929,348-68,929,353 gives the same sequence; the c. name uses the placement nearest the transcript's 3' end. VCF-style (leftmost placement, unchanged base first): chr11-68929347-GTC-G. GRCh37 (hg19) VCF-style: chr11-68696815-GTC-G.
Other names: short protein forms H411fs.
Identifiers: ClinVar variation 2944306 (VCV002944306.3), dbSNP rs2496034725, ClinGen allele CA2740093116.

ClinVar aggregate classification (germline): Pathogenic (1 of 4 stars; one submission).

Conditions:
Autosomal recessive distal spinal muscular atrophy 1. Also called: HMN VI; NEURONOPATHY, SEVERE INFANTILE AXONAL, WITH RESPIRATORY FAILURE; SEVERE INFANTILE AXONAL NEUROPATHY WITH RESPIRATORY FAILURE; SPINAL MUSCULAR ATROPHY, DIAPHRAGMATIC; Spinal muscular atrophy with respiratory distress 1; NEURONOPATHY, DISTAL HEREDITARY MOTOR, HARDING TYPE VI. Identifiers: Orphanet 98920, MedGen C1858517, MONDO:0011436, OMIM 604320.
Charcot-Marie-Tooth disease axonal type 2S. Also called: CHARCOT-MARIE-TOOTH NEUROPATHY, TYPE 2S; CHARCOT-MARIE-TOOTH DISEASE, AXONAL, AUTOSOMAL RECESSIVE, TYPE 2S. Identifiers: Orphanet 443073, MedGen C4015349, MONDO:0014511, OMIM 616155.

Submission:

Labcorp Genetics (formerly Invitae), Labcorp
Classification: Pathogenic for Autosomal recessive distal spinal muscular atrophy 1; Charcot-Marie-Tooth disease axonal type 2S. Last evaluated: 2023-10-14. Review status: criteria provided, single submitter. Criteria: Invitae Variant Classification Sherloc (09022015). Collection method: clinical testing. Allele origin: germline.
Comment: This sequence change creates a premature translational stop signal (p.His411Glnfs*17) in the IGHMBP2 gene. It is expected to result in an absent or disrupted protein product. Loss-of-function variants in IGHMBP2 are known to be pathogenic (PMID: 14681881, 25439726, 25568292). This variant is not present in population databases (gnomAD no frequency). This variant has not been reported in the literature in individuals affected with IGHMBP2-related conditions. For these reasons, this variant has been classified as Pathogenic.

Literature cited by the submitters: PubMed 14681881; PubMed 25439726; PubMed 25568292.